The following is an entry in ClinVar:

ClinVar aggregate classification (germline): Uncertain significance. Review status: criteria provided, multiple submitters, no conflicts (2 of 4 stars). 2 submissions from 2 submitters: Uncertain significance (2). Last evaluated 2026-01-16.

Conditions:
NBAS-related disorder. Also called: NBAS-related condition.

Allele frequency attached by ClinVar (database versions not stated): TOPMed below 0.00001; ExAC 0.00001; gnomAD exomes 0.00001.
gnomAD v4.1: 12 of 1,614,170 alleles (0.00074%); highest among the groups gnomAD compares: Non-Finnish European, 0.00093%; no homozygotes.

Submissions (2):

PreventionGenetics, part of Exact Sciences
Classification: Uncertain significance for NBAS-related condition. Last evaluated: 2026-01-16. Review status: criteria provided, single submitter. Criteria: ACMG Guidelines, 2015. Collection method: clinical testing. Allele origin: germline.
Comment: The NBAS c.5492C>T variant is predicted to result in the amino acid substitution p.Pro1831Leu. To our knowledge, this variant has not been reported in the literature. This variant is reported in 0.0044% of alleles in individuals of European (Non-Finnish) descent in gnomAD. At this time, the clinical significance of this variant is uncertain due to the absence of conclusive functional and genetic evidence.

Labcorp Genetics (formerly Invitae), Labcorp
Classification: Uncertain significance. Last evaluated: 2022-07-21. Review status: criteria provided, single submitter. Criteria: Invitae Variant Classification Sherloc (09022015). Collection method: clinical testing. Allele origin: germline.
Comment: This sequence change replaces proline, which is neutral and non-polar, with leucine, which is neutral and non-polar, at codon 1831 of the NBAS protein (p.Pro1831Leu). This variant is present in population databases (rs776228679, gnomAD 0.003%). This variant has not been reported in the literature in individuals affected with NBAS-related conditions. Algorithms developed to predict the effect of missense changes on protein structure and function are either unavailable or do not agree on the potential impact of this missense change (SIFT: "Deleterious"; PolyPhen-2: "Benign"; Align-GVGD: "Class C65"). In summary, the available evidence is currently insufficient to determine the role of this variant in disease. Therefore, it has been classified as a Variant of Uncertain Significance.

NM_015909.4(NBAS):c.5492C>T (p.Pro1831Leu)

Gene: NBAS (NBAS subunit of NRZ tethering complex; minus strand). Cytogenetic location: 2p24.3.
Variant type: single nucleotide variant.
Coding change: c.5492C>T on transcript NM_015909.4 (MANE Select); coding-DNA position 5492, C replaced by T.
Protein change: p.Pro1831Leu; replaces proline 1831 with leucine.
Molecular consequence: missense variant. On other transcripts: non-coding transcript variant (1).
Genome position (GRCh38, 1-based): chr2:15,275,716, G>A on the plus strand (C>T on the coding strand, the complement: NBAS is on the minus strand). VCF-style: chr2-15275716-G-A. GRCh37 (hg19) VCF-style: chr2-15415840-G-A.
Other names: c.5492C>T (NM_015909.3); short protein forms P1831L.
Identifiers: ClinVar variation 1919563 (VCV001919563.3), dbSNP rs776228679, ClinGen allele CA1535280.